The following is an entry in ClinVar:

ClinVar aggregate classification (germline): Uncertain significance (1 of 4 stars; one submission).

Conditions:
Generalized epilepsy with febrile seizures plus, type 7 (GEFSP7). Also called: GEFS+, TYPE 7. Identifiers: Orphanet 36387, MedGen C2751778, MONDO:0013470, OMIM 613863.
Neuropathy, hereditary sensory and autonomic, type 2A (HSAN2A). Also called: HSAN IIA; WNK1-Related HSAN2 (HSAN2A); MORVAN DISEASE; NEUROPATHY, CONGENITAL SENSORY; NEUROPATHY, HEREDITARY SENSORY RADICULAR, AUTOSOMAL RECESSIVE; NEUROPATHY, HEREDITARY SENSORY, TYPE IIA. Identifiers: Orphanet 970, MedGen C2752089, MONDO:0024309, OMIM 201300.

Submission:

Labcorp Genetics (formerly Invitae), Labcorp
Classification: Uncertain significance for Neuropathy, hereditary sensory and autonomic, type 2A; Generalized epilepsy with febrile seizures plus, type 7. Last evaluated: 2020-01-24. Review status: criteria provided, single submitter. Criteria: Invitae Variant Classification Sherloc (09022015). Collection method: clinical testing. Allele origin: germline.
Comment: This sequence change replaces proline with arginine at codon 60 of the SCN9A protein (p.Pro60Arg). The proline residue is highly conserved and there is a moderate physicochemical difference between proline and arginine. In summary, the available evidence is currently insufficient to determine the role of this variant in disease. Therefore, it has been classified as a Variant of Uncertain Significance. Algorithms developed to predict the effect of missense changes on protein structure and function are either unavailable or do not agree on the potential impact of this missense change (SIFT: "Deleterious"; PolyPhen-2: "Probably Damaging"; Align-GVGD: "Class C0"). This variant has not been reported in the literature in individuals with SCN9A-related disease. This variant is not present in population databases (ExAC no frequency).

NM_001365536.1(SCN9A):c.179C>G (p.Pro60Arg)

Gene: SCN9A (sodium voltage-gated channel alpha subunit 9; minus strand). Cytogenetic location: 2q24.3.
Variant type: single nucleotide variant.
Coding change: c.179C>G on transcript NM_001365536.1 (MANE Select); coding-DNA position 179, C replaced by G.
Protein change: p.Pro60Arg; replaces proline 60 with arginine.
Molecular consequence: missense variant.
Genome position (GRCh38, 1-based): chr2:166,311,578, G>C on the plus strand (C>G on the coding strand, the complement: SCN9A is on the minus strand). VCF-style: chr2-166311578-G-C. GRCh37 (hg19) VCF-style: chr2-167168088-G-C.
Other names: c.179C>G, p.Pro60Arg (NM_002977.4); short protein forms P60R.
Identifiers: ClinVar variation 662074 (VCV000662074.9), dbSNP rs1574913467, ClinGen allele CA349095934.
Genomic context (GRCh38, chr2:166,311,578, plus strand): 5'-GGGTCCAAGTCCTCCAGGGGCTCTGACACCATGCCGGGAGGAATGTCCCCATAGATGAAG[G>C]GCAGCTGTTTGCCAGCTTCCAAGTCACTGCTTGGCTTTGGGGCTTCTTCATCATCATCTT-3'
Protein context (NP_001352465.1, residues 50-70): SSDLEAGKQL[Pro60Arg]FIYGDIPPGM